The following is an entry in ClinVar:

ClinVar aggregate classification (germline): Likely benign. Review status: criteria provided, multiple submitters, no conflicts (2 of 4 stars). 6 submissions from 6 submitters: Likely benign (6). Last evaluated 2025-05-26.

Conditions:
Familial thoracic aortic aneurysm and aortic dissection (TAAD). Also called: Thoracic aortic aneurysms and dissections. Identifiers: Orphanet 91387, MedGen C4707243, MONDO:0019625.
Aortic aneurysm, familial thoracic 4 (AAT4). Also called: AORTIC ANEURYSM/AORTIC DISSECTION AND PATENT DUCTUS ARTERIOSUS. Identifiers: MedGen C1851504, MONDO:0007568, OMIM 132900.

Allele frequency attached by ClinVar (database versions not stated): TOPMed below 0.00001; ExAC 0.00001; gnomAD 0.00001; gnomAD exomes 0.00001.
gnomAD v4.1: 15 of 1,614,048 alleles (0.00093%); highest among the groups gnomAD compares: East Asian, 0.018%; no homozygotes.

Submissions (6):

Ambry Genetics
Classification: Likely benign for Familial thoracic aortic aneurysm and aortic dissection. Last evaluated: 2025-05-26. Review status: criteria provided, single submitter. Criteria: Ambry Variant Classification Scheme 2023. Collection method: clinical testing. Allele origin: germline.

Labcorp Genetics (formerly Invitae), Labcorp
Classification: Likely benign for Aortic aneurysm, familial thoracic 4. Last evaluated: 2024-07-06. Review status: criteria provided, single submitter. Criteria: Invitae Variant Classification Sherloc (09022015). Collection method: clinical testing. Allele origin: germline.

All of Us Research Program, National Institutes of Health
Classification: Likely benign for Familial thoracic aortic aneurysm and aortic dissection. Last evaluated: 2024-05-14. Review status: criteria provided, single submitter. Criteria: ACMG Guidelines, 2015. Collection method: clinical testing. Allele origin: germline. Inheritance: Autosomal dominant inheritance. Observed: 1 variant allele, 1 heterozygote.
Comment: This study involves interpretation of variants in research participants for the purpose of population health screening. Participant phenotype was not available at the time of variant classification. Additional details can be found in publication PMID: 35346344, PMCID: PMC8962531

CeGaT Center for Human Genetics Tuebingen
Classification: Likely benign. Last evaluated: 2022-05-01. Review status: criteria provided, single submitter. Criteria: CeGaT Center For Human Genetics Tuebingen Variant Classification Criteria Version 2. Collection method: clinical testing. Allele origin: germline. Affected: yes. Observed: 1 variant allele.
Comment: MYH11: BP4, BP7

Color Diagnostics, LLC DBA Color Health
Classification: Likely benign for Familial thoracic aortic aneurysm and aortic dissection. Last evaluated: 2018-07-15. Review status: criteria provided, single submitter. Criteria: ACMG Guidelines, 2015. Collection method: clinical testing. Allele origin: germline.

Breakthrough Genomics
Classification: Likely benign. Review status: criteria provided, single submitter. Criteria: ACMG Guidelines, 2015. Collection method: not provided. Allele origin: germline. Inheritance: Autosomal recessive inheritance. Affected: yes.

NM_002474.3(MYH11):c.357C>T (p.Gly119=)

Gene: MYH11 (myosin heavy chain 11; minus strand). Cytogenetic location: 16p13.11.
Variant type: single nucleotide variant.
Coding change: c.357C>T on transcript NM_002474.3 (MANE Select); coding-DNA position 357, C replaced by T.
Protein change: p.Gly119=; no amino-acid change (glycine 119 retained).
Molecular consequence: synonymous variant.
Genome position (GRCh38, 1-based): chr16:15,823,400, G>A on the plus strand (C>T on the coding strand, the complement: MYH11 is on the minus strand). VCF-style: chr16-15823400-G-A. GRCh37 (hg19) VCF-style: chr16-15917257-G-A.
Other names: c.357C>T (NM_002474.2); c.357C>T, p.Gly119= (NM_001040113.2, NM_001040114.2, NM_022844.3).
Identifiers: ClinVar variation 628883 (VCV000628883.31), dbSNP rs751716152, ClinGen allele CA7923062.